The following is an entry in ClinVar:

ClinVar aggregate classification (germline): Uncertain significance (1 of 4 stars; one submission).

Conditions:
Baraitser-Winter syndrome 1 (BRWS1). Also called: PACHYGYRIA, MENTAL RETARDATION, EPILEPSY, AND CHARACTERISTIC FACIES; MENTAL RETARDATION WITH EPILEPSY AND CHARACTERISTIC FACIES; Cerebrofrontofacial syndrome; BARAITSER-WINTER SYNDROME 1, ATYPICAL. Identifiers: Orphanet 2649, Orphanet 2995, MedGen C1855722, MONDO:0009470, OMIM 243310.

Submission:

Labcorp Genetics (formerly Invitae), Labcorp
Classification: Uncertain significance for Baraitser-Winter syndrome 1. Last evaluated: 2024-08-30. Review status: criteria provided, single submitter. Criteria: Invitae Variant Classification Sherloc (09022015). Collection method: clinical testing. Allele origin: germline.
Comment: This sequence change replaces isoleucine, which is neutral and non-polar, with methionine, which is neutral and non-polar, at codon 309 of the ACTB protein (p.Ile309Met). This variant is not present in population databases (gnomAD no frequency). This variant has not been reported in the literature in individuals affected with ACTB-related conditions. Invitae Evidence Modeling of protein sequence and biophysical properties (such as structural, functional, and spatial information, amino acid conservation, physicochemical variation, residue mobility, and thermodynamic stability) indicates that this missense variant is not expected to disrupt ACTB protein function with a negative predictive value of 80%. In summary, the available evidence is currently insufficient to determine the role of this variant in disease. Therefore, it has been classified as a Variant of Uncertain Significance.

NM_001101.5(ACTB):c.927T>G (p.Ile309Met)

Gene: ACTB (actin beta; minus strand). Cytogenetic location: 7p22.1.
Variant type: single nucleotide variant.
Coding change: c.927T>G on transcript NM_001101.5 (MANE Select); coding-DNA position 927, T replaced by G.
Protein change: p.Ile309Met; replaces isoleucine 309 with methionine.
Molecular consequence: missense variant.
Genome position (GRCh38, 1-based): chr7:5,528,061, A>C on the plus strand (T>G on the coding strand, the complement: ACTB is on the minus strand). VCF-style: chr7-5528061-A-C. GRCh37 (hg19) VCF-style: chr7-5567692-A-C.
Other names: short protein forms I309M.
Identifiers: ClinVar variation 3664015 (VCV003664015.2).
Genomic context (GRCh38, chr7:5,528,061, plus strand): 5'-CACCTTGATCTTCATTGTGCTGGGTGCCAGGGCAGTGATCTCCTTCTGCATCCTGTCGGC[A>C]ATGCCAGGGTACATGGTGGTGCCGCCAGACAGCACTGTGTTGGCGTACAGGTCTTTGCGG-3'
Protein context (NP_001092.1, residues 299-319): LSGGTTMYPG[Ile309Met]ADRMQKEITA